The following is an entry in ClinVar:

ClinVar aggregate classification (germline): Uncertain significance (1 of 4 stars; one submission).

Submission:

Labcorp Genetics (formerly Invitae), Labcorp
Classification: Uncertain significance. Last evaluated: 2025-12-23. Review status: criteria provided, single submitter. Criteria: Invitae Variant Classification Sherloc (09022015). Collection method: clinical testing. Allele origin: germline.
Comment: This sequence change affects codon 303 of the THBD mRNA. It is a 'silent' change, meaning that it does not change the encoded amino acid sequence of the THBD protein. This variant is present in population databases (rs774593037, gnomAD 0.0009%). This variant has not been reported in the literature in individuals affected with THBD-related conditions. In summary, the available evidence is currently insufficient to determine the role of this variant in disease. Therefore, it has been classified as a Variant of Uncertain Significance.

NM_000361.3(THBD):c.909G>C (p.Pro303=)

Gene: THBD (thrombomodulin; minus strand). Cytogenetic location: 20p11.21.
Variant type: single nucleotide variant.
Coding change: c.909G>C on transcript NM_000361.3 (MANE Select); coding-DNA position 909, G replaced by C.
Protein change: p.Pro303=; no amino-acid change (proline 303 retained).
Molecular consequence: synonymous variant.
Genome position (GRCh38, 1-based): chr20:23,048,596, C>G on the plus strand (G>C on the coding strand, the complement: THBD is on the minus strand). VCF-style: chr20-23048596-C-G. GRCh37 (hg19) VCF-style: chr20-23029233-C-G.
Identifiers: ClinVar variation 4697697 (VCV004697697.1).